The following is an entry in ClinVar:

NM_001130987.2(DYSF):c.4114del (p.Ser1372fs)

Gene: DYSF (dysferlin; plus strand). Cytogenetic location: 2p13.2.
Variant type: Deletion.
Coding change: c.4114del on transcript NM_001130987.2 (MANE Select); coding-DNA position 4114, one base deleted (T; older notation c.4114delT).
Protein change: p.Ser1372fs; shifts the reading frame from serine 1372.
Molecular consequence: frameshift variant.
Genome position (GRCh38, 1-based): chr2:71,611,519, T deleted. VCF-style (leftmost placement, unchanged base first): chr2-71611518-CT-C. GRCh37 (hg19) VCF-style: chr2-71838648-CT-C.
Other names: c.4063del, p.Ser1355fs (NM_001130983.2, NM_001130455.2); c.4021del, p.Ser1341fs (NM_001130984.2, NM_001130986.2); c.4114del, p.Ser1372fs (NM_001130985.2); c.4060del, p.Ser1354fs (NM_003494.4, NM_001130978.2); c.4018del, p.Ser1340fs (NM_001130976.2, NM_001130977.2); c.4153del, p.Ser1385fs (NM_001130979.2); c.4111del, p.Ser1371fs (NM_001130980.2, NM_001130981.2); c.4156del, p.Ser1386fs (NM_001130982.2); short protein forms S1354fs, S1355fs, S1385fs, S1371fs, S1340fs, S1341fs, S1372fs, S1386fs.
Identifiers: ClinVar variation 960294 (VCV000960294.7), dbSNP rs2093761171, ClinGen allele CA1139532920.

ClinVar aggregate classification (germline): Pathogenic (1 of 4 stars; one submission).

Conditions:
Neuromuscular disease caused by qualitative or quantitative defects of dysferlin. Also called: Qualitative or quantitative defects of dysferlin; Dysferlinopathy. Identifiers: Orphanet 207073, MedGen C2931687, MONDO:0016145.

Submission:

Labcorp Genetics (formerly Invitae), Labcorp
Classification: Pathogenic for Neuromuscular disease caused by qualitative or quantitative defects of dysferlin. Last evaluated: 2019-09-08. Review status: criteria provided, single submitter. Criteria: Invitae Variant Classification Sherloc (09022015). Collection method: clinical testing. Allele origin: germline.
Comment: This sequence change creates a premature translational stop signal (p.Ser1354Profs*6) in the DYSF gene. It is expected to result in an absent or disrupted protein product. This variant is not present in population databases (ExAC no frequency). This variant has not been reported in the literature in individuals with DYSF-related conditions. Loss-of-function variants in DYSF are known to be pathogenic (PMID: 17698709, 20301480). For these reasons, this variant has been classified as Pathogenic.

Literature cited by the submitters: PubMed 17698709; PubMed 20301480.